The following is an entry in ClinVar:

NM_001903.5(CTNNA1):c.1581dup (p.Ile528fs)

Gene: CTNNA1 (catenin alpha 1; plus strand). Cytogenetic location: 5q31.2.
Variant type: Duplication.
Coding change: c.1581dup on transcript NM_001903.5 (MANE Select); coding-DNA position 1581, one base duplicated (C; older notation c.1581dupC).
Protein change: p.Ile528fs; shifts the reading frame from isoleucine 528.
Molecular consequence: frameshift variant.
Genome position (GRCh38, 1-based): chr5:138,924,544, C duplicated. VCF-style (leftmost placement, unchanged base first): chr5-138924543-T-TC. GRCh37 (hg19) VCF-style: chr5-138260232-T-TC.
Other names: c.1581dup, p.Ile528fs (NM_001290307.3, NM_001323982.2, NM_001323983.1 and 2 more transcripts); c.1272dup, p.Ile425fs (NM_001290309.3); c.1212dup, p.Ile405fs (NM_001290310.3); c.471dup, p.Ile158fs (NM_001290312.1, NM_001323987.1, NM_001323988.1 and 17 more transcripts); c.1488dup, p.Ile497fs (NM_001323986.2); c.132dup, p.Ile45fs (NM_001324006.1, NM_001324007.1, NM_001324008.1 and 2 more transcripts); c.378dup, p.Ile127fs (NM_001324011.1); c.228dup, p.Ile77fs (NM_001324012.1, NM_001324013.1); and 1 more; short protein forms I45fs, I497fs, I528fs, I425fs, I77fs, I127fs, I158fs, I405fs.
Identifiers: ClinVar variation 1491863 (VCV001491863.9), dbSNP rs2150288001, ClinGen allele CA2573139155.

ClinVar aggregate classification (germline): Pathogenic. Review status: criteria provided, multiple submitters, no conflicts (2 of 4 stars). 3 submissions from 3 submitters: Pathogenic (3). Last evaluated 2025-07-15.

Conditions:
Hereditary diffuse gastric adenocarcinoma (HDGC). Also called: DIFFUSE GASTRIC AND LOBULAR BREAST CANCER SYNDROME. Identifiers: Orphanet 26106, MedGen C1708349, MONDO:0007648, OMIM 137215.
Hereditary cancer-predisposing syndrome. Also called: Neoplastic Syndromes, Hereditary; Tumor predisposition; Hereditary neoplastic syndrome; Hereditary Cancer Syndrome. Identifiers: Orphanet 140162, MedGen C0027672, MeSH D009386, MONDO:0015356.

Submissions (3):

Ambry Genetics
Classification: Pathogenic for Hereditary cancer-predisposing syndrome. Last evaluated: 2025-07-15. Review status: criteria provided, single submitter. Criteria: Ambry Variant Classification Scheme 2023. Collection method: clinical testing. Allele origin: germline.
Comment: The c.1581dupC pathogenic mutation, located in coding exon 11 of the CTNNA1 gene, results from a duplication of C at nucleotide position 1581, causing a translational frameshift with a predicted alternate stop codon (p.I528Hfs*37). This variant is considered to be rare based on population cohorts in the Genome Aggregation Database (gnomAD). This alteration is expected to result in loss of function by premature protein truncation or nonsense-mediated mRNA decay. As such, this alteration is interpreted as a disease-causing mutation.

Labcorp Genetics (formerly Invitae), Labcorp
Classification: Pathogenic. Last evaluated: 2024-06-06. Review status: criteria provided, single submitter. Criteria: Invitae Variant Classification Sherloc (09022015). Collection method: clinical testing. Allele origin: germline.
Comment: This sequence change creates a premature translational stop signal (p.Ile528Hisfs*37) in the CTNNA1 gene. It is expected to result in an absent or disrupted protein product. Loss-of-function variants in CTNNA1 are known to be pathogenic (PMID: 34425242, 32051609). This variant is not present in population databases (gnomAD no frequency). This variant has not been reported in the literature in individuals affected with CTNNA1-related conditions. ClinVar contains an entry for this variant (Variation ID: 1491863). For these reasons, this variant has been classified as Pathogenic.

Myriad Genetics, Inc.
Classification: Pathogenic for Hereditary diffuse gastric adenocarcinoma. Last evaluated: 2023-01-17. Review status: criteria provided, single submitter. Criteria: Myriad Autosomal Dominant, Autosomal Recessive and X-Linked Classification Criteria (2023). Collection method: clinical testing. Allele origin: unknown.
Comment: This variant is considered pathogenic. This variant creates a frameshift predicted to result in premature protein truncation.

Literature cited by the submitters: PubMed 34425242 (cited by Labcorp Genetics (formerly Invitae), Labcorp); PubMed 32051609 (cited by Labcorp Genetics (formerly Invitae), Labcorp).